The following is an entry in ClinVar:

NM_003924.4(PHOX2B):c.665G>C (p.Gly222Ala)

Gene: PHOX2B (paired like homeobox 2B; minus strand). Cytogenetic location: 4p13.
Variant type: single nucleotide variant.
Coding change: c.665G>C on transcript NM_003924.4 (MANE Select); coding-DNA position 665, G replaced by C.
Protein change: p.Gly222Ala; replaces glycine 222 with alanine.
Molecular consequence: missense variant.
Genome position (GRCh38, 1-based): chr4:41,746,087, C>G on the plus strand (G>C on the coding strand, the complement: PHOX2B is on the minus strand). VCF-style: chr4-41746087-C-G. GRCh37 (hg19) VCF-style: chr4-41748104-C-G.
Other names: short protein forms G222A.
Identifiers: ClinVar variation 640336 (VCV000640336.17), dbSNP rs771563787, ClinGen allele CA2901459.

ClinVar aggregate classification (germline): Uncertain significance. Review status: criteria provided, multiple submitters, no conflicts (2 of 4 stars). 2 submissions from 2 submitters: Uncertain significance (2). Last evaluated 2025-10-22.

Conditions:
Hereditary cancer-predisposing syndrome. Also called: Neoplastic Syndromes, Hereditary; Tumor predisposition; Hereditary Cancer Syndrome; Hereditary neoplastic syndrome. Identifiers: Orphanet 140162, MedGen C0027672, MeSH D009386, MONDO:0015356.
Haddad syndrome (OHD). Also called: Ondine-Hirschsprung disease. Identifiers: Orphanet 99803, MedGen C1859049, MONDO:0020493.

Allele frequency attached by ClinVar (database versions not stated): gnomAD exomes below 0.00001 and 0.00001; TOPMed below 0.00001; ExAC 0.00002.
gnomAD v4.1: 4 of 1,532,644 alleles (0.00026%); highest among the groups gnomAD compares: Non-Finnish European, 0.00035%; no homozygotes.

Submissions (2):

Ambry Genetics
Classification: Uncertain significance for Hereditary cancer-predisposing syndrome. Last evaluated: 2025-10-22. Review status: criteria provided, single submitter. Criteria: Ambry Variant Classification Scheme 2023. Collection method: clinical testing. Allele origin: germline.
Comment: The p.G222A variant (also known as c.665G>C), located in coding exon 3 of the PHOX2B gene, results from a G to C substitution at nucleotide position 665. The glycine at codon 222 is replaced by alanine, an amino acid with similar properties. This amino acid position is not well conserved in available vertebrate species. In addition, the in silico prediction for this alteration is inconclusive. Based on the available evidence, the clinical significance of this variant remains unclear.

Labcorp Genetics (formerly Invitae), Labcorp
Classification: Uncertain significance for Haddad syndrome. Last evaluated: 2023-02-28. Review status: criteria provided, single submitter. Criteria: Invitae Variant Classification Sherloc (09022015). Collection method: clinical testing. Allele origin: germline.
Comment: In summary, the available evidence is currently insufficient to determine the role of this variant in disease. Therefore, it has been classified as a Variant of Uncertain Significance. Advanced modeling of protein sequence and biophysical properties (such as structural, functional, and spatial information, amino acid conservation, physicochemical variation, residue mobility, and thermodynamic stability) performed at Invitae indicates that this missense variant is not expected to disrupt PHOX2B protein function. ClinVar contains an entry for this variant (Variation ID: 640336). This variant has not been reported in the literature in individuals affected with PHOX2B-related conditions. This variant is present in population databases (rs771563787, gnomAD 0.001%). This sequence change replaces glycine, which is neutral and non-polar, with alanine, which is neutral and non-polar, at codon 222 of the PHOX2B protein (p.Gly222Ala).